The following is an entry in ClinVar:

NM_004650.3(PNPLA4):c.245C>T (p.Thr82Met)

Genes: PNPLA4 (patatin like domain 4, phospholipase and triacylglycerol lipase; minus strand), LOC126863198 (BRD4-independent group 4 enhancer GRCh37_chrX:7889540-7890739; plus strand). Cytogenetic location: Xp22.31.
Variant type: single nucleotide variant.
Coding change: c.245C>T on transcript NM_004650.3 (MANE Select); coding-DNA position 245, C replaced by T.
Protein change: p.Thr82Met; replaces threonine 82 with methionine.
Molecular consequence: missense variant. On other transcripts: 5 prime UTR variant (1).
Genome position (GRCh38, 1-based): chrX:7,922,034, G>A on the plus strand (C>T on the coding strand, the complement: PNPLA4 is on the minus strand). VCF-style: chrX-7922034-G-A. GRCh37 (hg19) VCF-style: chrX-7890075-G-A.
Other names: c.245C>T, p.Thr82Met (NM_001142389.2); c.-17C>T (NM_001172672.2); short protein forms T82M.
Identifiers: ClinVar variation 5041236 (VCV005041236.1).

ClinVar aggregate classification (germline): Likely benign (1 of 4 stars; one submission).

gnomAD v4.1: 59 of 1,206,653 alleles (0.0049%); highest among the groups gnomAD compares: South Asian, 0.014%; no homozygotes.

Submission:

CeGaT Center for Human Genetics Tuebingen
Classification: Likely benign. Last evaluated: 2026-09-01. Review status: criteria provided, single submitter. Criteria: CeGaT Center For Human Genetics Tuebingen Variant Classification Criteria Version 2. Collection method: clinical testing. Allele origin: germline. Affected: yes. Observed: 1 variant allele.
Comment: PNPLA4: BS2